The following is an entry in ClinVar:

NM_003070.5(SMARCA2):c.498G>C (p.Gln166His)

Gene: SMARCA2 (SWI/SNF related BAF chromatin remodeling complex subunit ATPase 2; plus strand). Cytogenetic location: 9p24.3.
Variant type: single nucleotide variant.
Coding change: c.498G>C on transcript NM_003070.5 (MANE Select); coding-DNA position 498, G replaced by C.
Protein change: p.Gln166His; replaces glutamine 166 with histidine.
Molecular consequence: missense variant.
Genome position (GRCh38, 1-based): chr9:2,039,608, G>C. VCF-style: chr9-2039608-G-C. GRCh37 (hg19) VCF-style: chr9-2039608-G-C.
Other names: c.498G>C, p.Gln166His (NM_001289396.2, NM_001289397.2, NM_139045.4); short protein forms Q166H.
Identifiers: ClinVar variation 3603121 (VCV003603121.1).

ClinVar aggregate classification (germline): Uncertain significance (1 of 4 stars; one submission).

Submission:

GeneDx
Classification: Uncertain significance. Last evaluated: 2024-08-07. Review status: criteria provided, single submitter. Criteria: GeneDx Variant Classification Process June 2021. Collection method: clinical testing. Allele origin: germline. Affected: yes.
Comment: Not observed at significant frequency in large population cohorts (gnomAD); In silico analysis indicates that this missense variant does not alter protein structure/function; Has not been previously published as pathogenic or benign to our knowledge